The following is an entry in ClinVar:

ClinVar aggregate classification (germline): Uncertain significance (1 of 4 stars; one submission).

gnomAD v4.1: 11 of 1,612,762 alleles (0.00068%); highest among the groups gnomAD compares: Non-Finnish European, 0.00085%; no homozygotes.

Submission:

Labcorp Genetics (formerly Invitae), Labcorp
Classification: Uncertain significance. Last evaluated: 2024-10-30. Review status: criteria provided, single submitter. Criteria: Invitae Variant Classification Sherloc (09022015). Collection method: clinical testing. Allele origin: germline.
Comment: This sequence change replaces serine, which is neutral and polar, with arginine, which is basic and polar, at codon 840 of the SLCO5A1 protein (p.Ser840Arg). This variant is present in population databases (rs749926019, gnomAD 0.004%). This variant has not been reported in the literature in individuals affected with SLCO5A1-related conditions. An algorithm developed to predict the effect of missense changes on protein structure and function outputs the following: PolyPhen-2: "Benign". The arginine amino acid residue is found in multiple mammalian species, which suggests that this missense change does not adversely affect protein function. In summary, the available evidence is currently insufficient to determine the role of this variant in disease. Therefore, it has been classified as a Variant of Uncertain Significance.

NM_030958.3(SLCO5A1):c.2520C>G (p.Ser840Arg)

Gene: SLCO5A1 (solute carrier organic anion transporter family member 5A1; minus strand). Cytogenetic location: 8q13.3.
Variant type: single nucleotide variant.
Coding change: c.2520C>G on transcript NM_030958.3 (MANE Select); coding-DNA position 2520, C replaced by G.
Protein change: p.Ser840Arg; replaces serine 840 with arginine.
Molecular consequence: missense variant. On other transcripts: 3 prime UTR variant (1).
Genome position (GRCh38, 1-based): chr8:69,672,896, G>C on the plus strand (C>G on the coding strand, the complement: SLCO5A1 is on the minus strand). VCF-style: chr8-69672896-G-C. GRCh37 (hg19) VCF-style: chr8-70585131-G-C.
Other names: c.*391C>G (NM_001146008.2); c.2355C>G, p.Ser785Arg (NM_001146009.1); short protein forms S840R, S785R.
Identifiers: ClinVar variation 3701196 (VCV003701196.2).
Genomic context (GRCh38, chr8:69,672,896, plus strand): 5'-ACCAACAAAACTAAATTCTTCCATTTTCAAGCTTCAGGAGGGCGGCTCCAAGGCAGCGGG[G>C]CTCTCTTCCAGCCCCGGGTCCGCAGAGGAACTTATTGCTTCTGGGAAGGGCCCCGGGTAG-3'
Protein context (NP_112220.2, residues 830-848): SSSADPGLEE[Ser840Arg]PAALEPPS